The following is an entry in ClinVar:

ClinVar aggregate classification (germline): Uncertain significance (1 of 4 stars; one submission).

Conditions:
Galactosylceramide beta-galactosidase deficiency. Also called: Leukodystrophy, Globoid Cell; GALACTOCEREBROSIDASE DEFICIENCY; GALC DEFICIENCY; GLOBOID CELL LEUKOENCEPHALOPATHY; Krabbe Disease. Identifiers: Orphanet 487, MedGen C0023521, MONDO:0009499, OMIM 245200.

Allele frequency attached by ClinVar (database versions not stated): gnomAD exomes below 0.00001; TOPMed 0.00002; gnomAD 0.00003.
gnomAD v4.1: 12 of 1,612,594 alleles (0.00074%); highest among the groups gnomAD compares: Non-Finnish European, 0.001%; no homozygotes.

Submission:

Labcorp Genetics (formerly Invitae), Labcorp
Classification: Uncertain significance for Galactosylceramide beta-galactosidase deficiency. Last evaluated: 2022-07-19. Review status: criteria provided, single submitter. Criteria: Invitae Variant Classification Sherloc (09022015). Collection method: clinical testing. Allele origin: germline.
Comment: This variant is not present in population databases (gnomAD no frequency). This variant has not been reported in the literature in individuals affected with GALC-related conditions. ClinVar contains an entry for this variant (Variation ID: 1422812). Advanced modeling of protein sequence and biophysical properties (such as structural, functional, and spatial information, amino acid conservation, physicochemical variation, residue mobility, and thermodynamic stability) performed at Invitae indicates that this missense variant is not expected to disrupt GALC protein function. In summary, the available evidence is currently insufficient to determine the role of this variant in disease. Therefore, it has been classified as a Variant of Uncertain Significance. This sequence change replaces serine, which is neutral and polar, with phenylalanine, which is neutral and non-polar, at codon 649 of the GALC protein (p.Ser649Phe).

NM_000153.4(GALC):c.1946C>T (p.Ser649Phe)

Gene: GALC (galactosylceramidase; minus strand). Cytogenetic location: 14q31.3.
Variant type: single nucleotide variant.
Coding change: c.1946C>T on transcript NM_000153.4 (MANE Select); coding-DNA position 1946, C replaced by T.
Protein change: p.Ser649Phe; replaces serine 649 with phenylalanine.
Molecular consequence: missense variant.
Genome position (GRCh38, 1-based): chr14:87,934,844, G>A on the plus strand (C>T on the coding strand, the complement: GALC is on the minus strand). VCF-style: chr14-87934844-G-A. GRCh37 (hg19) VCF-style: chr14-88401188-G-A.
Other names: c.1877C>T, p.Ser626Phe (NM_001201401.2); c.1868C>T, p.Ser623Phe (NM_001201402.2); short protein forms S649F, S626F, S623F.
Identifiers: ClinVar variation 1422812 (VCV001422812.8), dbSNP rs1158521193, ClinGen allele CA390745310.